The following is an entry in ClinVar:

NM_006180.6(NTRK2):c.1944C>T (p.His648=)

Gene: NTRK2 (neurotrophic receptor tyrosine kinase 2; plus strand). Cytogenetic location: 9q21.33.
Variant type: single nucleotide variant.
Coding change: c.1944C>T on transcript NM_006180.6 (MANE Select); coding-DNA position 1944, C replaced by T.
Protein change: p.His648=; no amino-acid change (histidine 648 retained).
Molecular consequence: synonymous variant.
Genome position (GRCh38, 1-based): chr9:84,955,289, C>T. VCF-style: chr9-84955289-C-T. GRCh37 (hg19) VCF-style: chr9-87570204-C-T.
Other names: c.1944C>T (NM_006180.4); c.1896C>T, p.His632= (NM_001018064.3, NM_001369532.1, NM_001369533.1); c.1860C>T, p.His620= (NM_001369534.1); c.1428C>T, p.His476= (NM_001369535.1); c.1476C>T, p.His492= (NM_001369536.1); c.1944C>T, p.His648= (NM_001381928.1).
Identifiers: ClinVar variation 2898206 (VCV002898206.4), dbSNP rs930501911, ClinGen allele CA195815109.

ClinVar aggregate classification (germline): Likely benign. Review status: criteria provided, multiple submitters, no conflicts (2 of 4 stars). 2 submissions from 2 submitters: Likely benign (2). Last evaluated 2026-02-09.

Conditions:
NTRK2-related disorder. Also called: NTRK2-related condition.

Allele frequency attached by ClinVar (database versions not stated): gnomAD 0.00001; gnomAD exomes 0.00001; TOPMed 0.00002.
gnomAD v4.1: 19 of 1,599,364 alleles (0.0012%); highest among the groups gnomAD compares: Admixed American, 0.0034%; no homozygotes.

Submissions (2):

PreventionGenetics, part of Exact Sciences
Classification: Likely benign for NTRK2-related condition. Last evaluated: 2026-02-09. Review status: criteria provided, single submitter. Criteria: ACMG Guidelines, 2015. Collection method: clinical testing. Allele origin: germline.
Comment: This variant is classified as likely benign based on ACMG/AMP sequence variant interpretation guidelines (Richards et al. 2015 PMID: 25741868, with internal and published modifications).

Labcorp Genetics (formerly Invitae), Labcorp
Classification: Likely benign. Last evaluated: 2023-10-12. Review status: criteria provided, single submitter. Criteria: Invitae Variant Classification Sherloc (09022015). Collection method: clinical testing. Allele origin: germline.